The following is an entry in ClinVar:

NC_000020.10:g.(?_3888553)_(3893301_?)dup

Gene: PANK2 (pantothenate kinase 2; plus strand). Cytogenetic location: 20p13.
Variant type: Duplication.
Identifiers: ClinVar variation 3248224 (VCV003248224.1).

ClinVar aggregate classification (germline): Pathogenic (1 of 4 stars; one submission).

Conditions:
Pigmentary pallidal degeneration (NBIA1). Also called: HARP SYNDROME; PKAN NEUROAXONAL DYSTROPHY, JUVENILE-ONSET; Neurodegeneration with brain iron accumulation 1; Pantothenate Kinase-Associated Neurodegeneration; Neuroaxonal dystrophy, late infantile; Hallervorden-Spatz disease. Identifiers: Orphanet 157850, MedGen C0018523, MONDO:0009319, OMIM 234200.

Submission:

Labcorp Genetics (formerly Invitae), Labcorp
Classification: Pathogenic for Pigmentary pallidal degeneration. Last evaluated: 2023-07-18. Review status: criteria provided, single submitter. Criteria: Invitae Variant Classification Sherloc (09022015). Collection method: clinical testing. Allele origin: unknown.
Comment: For these reasons, this variant has been classified as Pathogenic. A similar copy number variant has been observed in individual(s) with clinical features of neurodegeneration with brain iron accumulation (Invitae). This variant results in a copy number gain of the genomic region encompassing exon(s) 2-4 of the PANK2 gene. While the exact position of this variant cannot be determined from the data, sub-genic copy number gains are generally in tandem (PMID: 25640679). This variant is predicted to be out-of-frame, and may result in an absent or disrupted protein product. Loss-of-function variants in PANK2 are known to be pathogenic (PMID: 11479594, 12510040).

Literature cited by the submitters: PubMed 25640679; PubMed 11479594; PubMed 12510040.